The following is an entry in ClinVar:

ClinVar aggregate classification (germline): Uncertain significance. Review status: criteria provided, multiple submitters, no conflicts (2 of 4 stars). 2 submissions from 2 submitters: Uncertain significance (2). Last evaluated 2022-10-24.

Conditions:
Dilated cardiomyopathy 1W (CMD1W). Identifiers: Orphanet 154, MedGen C1969639, MONDO:0012667, OMIM 611407.
Hypertrophic cardiomyopathy 15. Identifiers: MedGen C2750459, MONDO:0013200, OMIM 613255.

Submissions (2):

Labcorp Genetics (formerly Invitae), Labcorp
Classification: Uncertain significance for Dilated cardiomyopathy 1W. Last evaluated: 2022-10-24. Review status: criteria provided, single submitter. Criteria: Invitae Variant Classification Sherloc (09022015). Collection method: clinical testing. Allele origin: germline.
Comment: In summary, the available evidence is currently insufficient to determine the role of this variant in disease. Therefore, it has been classified as a Variant of Uncertain Significance. Algorithms developed to predict the effect of missense changes on protein structure and function are either unavailable or do not agree on the potential impact of this missense change (SIFT: "Not Available"; PolyPhen-2: "Probably Damaging"; Align-GVGD: "Not Available"). ClinVar contains an entry for this variant (Variation ID: 536706). This variant has not been reported in the literature in individuals affected with VCL-related conditions. This variant is not present in population databases (gnomAD no frequency). This sequence change replaces aspartic acid, which is acidic and polar, with glutamic acid, which is acidic and polar, at codon 256 of the VCL protein (p.Asp256Glu).

Fulgent Genetics
Classification: Uncertain significance for Dilated cardiomyopathy 1W; Hypertrophic cardiomyopathy 15. Last evaluated: 2021-09-21. Review status: criteria provided, single submitter. Criteria: ACMG Guidelines, 2015. Collection method: clinical testing. Allele origin: unknown.

NM_014000.3(VCL):c.768T>A (p.Asp256Glu)

Gene: VCL (vinculin; plus strand). Cytogenetic location: 10q22.2.
Variant type: single nucleotide variant.
Coding change: c.768T>A on transcript NM_014000.3 (MANE Select); coding-DNA position 768, T replaced by A.
Protein change: p.Asp256Glu; replaces aspartic acid 256 with glutamic acid.
Molecular consequence: missense variant.
Genome position (GRCh38, 1-based): chr10:74,074,888, T>A. VCF-style: chr10-74074888-T-A. GRCh37 (hg19) VCF-style: chr10-75834646-T-A.
Other names: c.768T>A, p.Asp256Glu (NM_003373.4); short protein forms D256E.
Identifiers: ClinVar variation 536706 (VCV000536706.9), dbSNP rs56413529, ClinGen allele CA377268608.
Genomic context (GRCh38, chr10:74,074,888, plus strand): 5'-AATGAGTGCTGAAATTAATGAGATAATTCGTGTGTTACAACTCACCTCTTGGGATGAAGA[T>A]GCCTGGGCCAGCAAGGTACGTGTTCTTAGTGGAGAAATAAGCAAAATCCCCAACTCTCCC-3'
Protein context (NP_054706.1, residues 246-266): RVLQLTSWDE[Asp256Glu]AWASKDTEAM